The following is an entry in ClinVar:

NM_001385012.1(NBEA):c.172G>A (p.Ala58Thr)

Gene: NBEA (neurobeachin; plus strand). Cytogenetic location: 13q13.3.
Variant type: single nucleotide variant.
Coding change: c.172G>A on transcript NM_001385012.1 (MANE Select); coding-DNA position 172, G replaced by A.
Protein change: p.Ala58Thr; replaces alanine 58 with threonine.
Molecular consequence: missense variant.
Genome position (GRCh38, 1-based): chr13:34,942,992, G>A. VCF-style: chr13-34942992-G-A. GRCh37 (hg19) VCF-style: chr13-35517129-G-A.
Other names: c.172G>A, p.Ala58Thr (NM_001379245.1, NM_015678.5); short protein forms A58T.
Identifiers: ClinVar variation 2428846 (VCV002428846.3), dbSNP rs760473211, ClinGen allele CA6946012.
Genomic context (GRCh38, chr13:34,942,992, plus strand): 5'-GGGGGCAGCGGGATGGGGGAGCTAAGGGGGGCGTCCGGCTCCGGCTCGGTGATGCTCCCC[G>A]CGGGGATGATTAACCCTTCGGTGCCGATCCGCAACATCCGGATGAAATTCGCAGTGTTGA-3'
Protein context (NP_001371941.1, residues 48-68): ASGSGSVMLP[Ala58Thr]GMINPSVPIR

ClinVar aggregate classification (germline): Uncertain significance (1 of 4 stars; one submission).

Allele frequency attached by ClinVar (database versions not stated): ExAC 0.00001.
gnomAD v4.1: 3 of 1,610,872 alleles (0.00019%); highest among the groups gnomAD compares: East Asian, 0.0045%; no homozygotes.

Submission:

GeneDx
Classification: Uncertain significance. Last evaluated: 2022-08-03. Review status: criteria provided, single submitter. Criteria: GeneDx Variant Classification Process June 2021. Collection method: clinical testing. Allele origin: germline. Affected: yes.
Comment: In silico analysis supports that this missense variant does not alter protein structure/function; Has not been previously published as pathogenic or benign to our knowledge